The following is an entry in ClinVar:

ClinVar aggregate classification (germline): Uncertain significance (1 of 4 stars; one submission).

Allele frequency attached by ClinVar (database versions not stated): gnomAD exomes below 0.00001.
gnomAD v4.1: 3 of 1,516,598 alleles (0.0002%); highest among the groups gnomAD compares: Non-Finnish European, 0.00026%; no homozygotes.

Submission:

Labcorp Genetics (formerly Invitae), Labcorp
Classification: Uncertain significance. Last evaluated: 2022-10-05. Review status: criteria provided, single submitter. Criteria: Invitae Variant Classification Sherloc (09022015). Collection method: clinical testing. Allele origin: germline.
Comment: In summary, the available evidence is currently insufficient to determine the role of this variant in disease. Therefore, it has been classified as a Variant of Uncertain Significance. Advanced modeling of protein sequence and biophysical properties (such as structural, functional, and spatial information, amino acid conservation, physicochemical variation, residue mobility, and thermodynamic stability) performed at Invitae indicates that this missense variant is expected to disrupt MYH7B protein function. This variant has not been reported in the literature in individuals affected with MYH7B-related conditions. This variant is not present in population databases (gnomAD no frequency). This sequence change replaces leucine, which is neutral and non-polar, with proline, which is neutral and non-polar, at codon 1554 of the MYH7B protein (p.Leu1554Pro).

NM_020884.7(MYH7B):c.4535T>C (p.Leu1512Pro)

Gene: MYH7B (myosin heavy chain 7B; plus strand). Cytogenetic location: 20q11.22.
Variant type: single nucleotide variant.
Coding change: c.4535T>C on transcript NM_020884.7 (MANE Select); coding-DNA position 4535, T replaced by C.
Protein change: p.Leu1512Pro; replaces leucine 1512 with proline.
Molecular consequence: missense variant.
Genome position (GRCh38, 1-based): chr20:34,999,400, T>C. VCF-style: chr20-34999400-T-C. GRCh37 (hg19) VCF-style: chr20-33587203-T-C.
Other names: short protein forms L1512P.
Identifiers: ClinVar variation 1946044 (VCV001946044.5), dbSNP rs2519229920, ClinGen allele CA408715656.